The following is an entry in ClinVar:

ClinVar aggregate classification (germline): Uncertain significance (1 of 4 stars; one submission).

Allele frequency attached by ClinVar (database versions not stated): TOPMed 0.00001.

Submission:

Labcorp Genetics (formerly Invitae), Labcorp
Classification: Uncertain significance. Last evaluated: 2025-02-12. Review status: criteria provided, single submitter. Criteria: Invitae Variant Classification Sherloc (09022015). Collection method: clinical testing. Allele origin: germline.
Comment: This sequence change replaces glycine, which is neutral and non-polar, with arginine, which is basic and polar, at codon 343 of the PPM1D protein (p.Gly343Arg). This variant is not present in population databases (gnomAD no frequency). This variant has not been reported in the literature in individuals affected with PPM1D-related conditions. ClinVar contains an entry for this variant (Variation ID: 2827791). An algorithm developed to predict the effect of missense changes on protein structure and function (PolyPhen-2) suggests that this variant is likely to be tolerated. In summary, the available evidence is currently insufficient to determine the role of this variant in disease. Therefore, it has been classified as a Variant of Uncertain Significance.

NM_003620.4(PPM1D):c.1027G>A (p.Gly343Arg)

Gene: PPM1D (protein phosphatase, Mg2+/Mn2+ dependent 1D; plus strand). Cytogenetic location: 17q23.2.
Variant type: single nucleotide variant.
Coding change: c.1027G>A on transcript NM_003620.4 (MANE Select); coding-DNA position 1027, G replaced by A.
Protein change: p.Gly343Arg; replaces glycine 343 with arginine.
Molecular consequence: missense variant.
Genome position (GRCh38, 1-based): chr17:60,656,608, G>A. VCF-style: chr17-60656608-G-A. GRCh37 (hg19) VCF-style: chr17-58733969-G-A.
Other names: short protein forms G343R.
Identifiers: ClinVar variation 2827791 (VCV002827791.3), dbSNP rs2031443806, ClinGen allele CA400449833.